The following is an entry in ClinVar:

ClinVar aggregate classification (germline): Uncertain significance (1 of 4 stars; one submission).

Conditions:
Primary ciliary dyskinesia 27. Also called: CILIARY DYSKINESIA, PRIMARY, 27, WITHOUT SITUS INVERSUS. Identifiers: Orphanet 244, MedGen C3809701, MONDO:0014215, OMIM 615504.

Allele frequency attached by ClinVar (database versions not stated): gnomAD exomes 0.00018 and 0.00019; ESP Exome Variant Server 0.00023; TOPMed 0.00014; gnomAD 0.00028 and 0.00029; ExAC 0.00016.
gnomAD v4.1: 317 of 1,614,028 alleles (0.02%); highest among the groups gnomAD compares: Non-Finnish European, 0.022%; no homozygotes.

Submission:

Labcorp Genetics (formerly Invitae), Labcorp
Classification: Uncertain significance for Primary ciliary dyskinesia 27. Last evaluated: 2025-11-03. Review status: criteria provided, single submitter. Criteria: Invitae Variant Classification Sherloc (09022015). Collection method: clinical testing. Allele origin: germline.
Comment: This sequence change replaces lysine, which is basic and polar, with asparagine, which is neutral and polar, at codon 24 of the CCDC65 protein (p.Lys24Asn). This variant is present in population databases (rs371084552, gnomAD 0.1%). This variant has not been reported in the literature in individuals affected with CCDC65-related conditions. ClinVar contains an entry for this variant (Variation ID: 837619). An algorithm developed to predict the effect of missense changes on protein structure and function (PolyPhen-2) suggests that this variant is likely to be disruptive. In summary, the available evidence is currently insufficient to determine the role of this variant in disease. Therefore, it has been classified as a Variant of Uncertain Significance.

NM_033124.5(DRC2):c.72G>T (p.Lys24Asn)

Gene: DRC2 (dynein regulatory complex subunit 2; plus strand). Cytogenetic location: 12q13.12.
Variant type: single nucleotide variant.
Coding change: c.72G>T on transcript NM_033124.5 (MANE Select); coding-DNA position 72, G replaced by T.
Protein change: p.Lys24Asn; replaces lysine 24 with asparagine.
Molecular consequence: missense variant. On other transcripts: 5 prime UTR variant (1).
Genome position (GRCh38, 1-based): chr12:48,904,408, G>T. VCF-style: chr12-48904408-G-T. GRCh37 (hg19) VCF-style: chr12-49298191-G-T.
Other names: c.-318G>T (NM_001286957.2); short protein forms K24N.
Identifiers: ClinVar variation 837619 (VCV000837619.6), dbSNP rs371084552, ClinGen allele CA6543129.
Genomic context (GRCh38, chr12:48,904,408, plus strand): 5'-AGAAAAAATGGCCAAGACGCCCCTGTCCGATGAGAAGCAGCTGCTTCTGTTTCAGCAGAA[G>T]TTGCTGGCAGAGGAGGAGATGGCCAAAAAGAAGGAGAGGCTCCTCAGCCAGTTCTTGAAG-3'
Protein context (NP_149115.2, residues 14-34): DEKQLLLFQQ[Lys24Asn]LLAEEEMAKK